The following is an entry in ClinVar:

NM_002528.7(NTHL1):c.686-3C>T

Gene: NTHL1 (nth like DNA glycosylase 1; minus strand). Cytogenetic location: 16p13.3.
Variant type: single nucleotide variant.
Coding change: c.686-3C>T on transcript NM_002528.7 (MANE Select); 3 bases into the intron before coding-DNA position 686, C replaced by T.
Molecular consequence: intron variant.
Genome position (GRCh38, 1-based): chr16:2,040,241, G>A on the plus strand (C>T on the coding strand, the complement: NTHL1 is on the minus strand). VCF-style: chr16-2040241-G-A. GRCh37 (hg19) VCF-style: chr16-2090242-G-A.
Other names: c.356-3C>T (NM_001318194.2); c.515-3C>T (NM_001318193.2).
Identifiers: ClinVar variation 940905 (VCV000940905.12), dbSNP rs2084244745, ClinGen allele CA1139664234.

ClinVar aggregate classification (germline): Conflicting classifications of pathogenicity. Review status: criteria provided, conflicting classifications (1 of 4 stars). 2 submissions from 2 submitters: Uncertain significance (1); Likely benign (1). Last evaluated 2026-08-06.

Conditions:
Hereditary cancer-predisposing syndrome. Also called: Neoplastic Syndromes, Hereditary; Hereditary Cancer Syndrome; Tumor predisposition; Hereditary neoplastic syndrome. Identifiers: Orphanet 140162, MedGen C0027672, MeSH D009386, MONDO:0015356.

Allele frequency attached by ClinVar (database versions not stated): TOPMed below 0.00001.

Submissions (3):

Ambry Genetics
Classification: Likely benign for Hereditary cancer-predisposing syndrome. Last evaluated: 2026-08-06. Review status: criteria provided, single submitter. Criteria: Ambry Variant Classification Scheme 2023. Collection method: clinical testing. Allele origin: germline.

Labcorp Genetics (formerly Invitae), Labcorp
Classification: Uncertain significance. Last evaluated: 2025-06-14. Review status: criteria provided, single submitter. Criteria: Invitae Variant Classification Sherloc (09022015). Collection method: clinical testing. Allele origin: germline.
Comment: This sequence change falls in intron 4 of the NTHL1 gene. It does not directly change the encoded amino acid sequence of the NTHL1 protein. It affects a nucleotide within the consensus splice site. This variant is not present in population databases (gnomAD no frequency). This variant has not been reported in the literature in individuals affected with NTHL1-related conditions. ClinVar contains an entry for this variant (Variation ID: 940905). Variants that disrupt the consensus splice site are a relatively common cause of aberrant splicing (PMID: 17576681, 9536098). Algorithms developed to predict the effect of sequence changes on RNA splicing suggest that this variant may disrupt the consensus splice site. In summary, the available evidence is currently insufficient to determine the role of this variant in disease. Therefore, it has been classified as a Variant of Uncertain Significance.

Dr. Peter K. Rogan Lab, Western University
No classification provided (evidence only). Condition: Uterine corpus endometrial carcinoma. Review status: no classification provided. Collection method: in vitro. Allele origin: not applicable. Functional consequence: retained intron. Not counted in ClinVar's aggregate classification.

Literature cited by the submitters: PubMed 17576681 (cited by Labcorp Genetics (formerly Invitae), Labcorp); PubMed 9536098 (cited by Labcorp Genetics (formerly Invitae), Labcorp).